The following is an entry in ClinVar:

NM_018163.3(DNAJC17):c.313C>T (p.Arg105Trp)

Gene: DNAJC17 (DnaJ heat shock protein family (Hsp40) member C17; minus strand). Cytogenetic location: 15q15.1.
Variant type: single nucleotide variant.
Coding change: c.313C>T on transcript NM_018163.3 (MANE Select); coding-DNA position 313, C replaced by T.
Protein change: p.Arg105Trp; replaces arginine 105 with tryptophan.
Molecular consequence: missense variant.
Genome position (GRCh38, 1-based): chr15:40,776,610, G>A on the plus strand (C>T on the coding strand, the complement: DNAJC17 is on the minus strand). VCF-style: chr15-40776610-G-A. GRCh37 (hg19) VCF-style: chr15-41068808-G-A.
Other names: c.313C>T (NM_018163.2); short protein forms R105W.
Identifiers: ClinVar variation 2188950 (VCV002188950.5), dbSNP rs148595451, ClinGen allele CA7485214.

ClinVar aggregate classification (germline): Uncertain significance. Review status: criteria provided, multiple submitters, no conflicts (2 of 4 stars). 2 submissions from 2 submitters: Uncertain significance (2). Last evaluated 2025-04-16.

Allele frequency attached by ClinVar (database versions not stated): gnomAD exomes 0.00005; ExAC 0.00011; ESP Exome Variant Server 0.00015; 1000 Genomes Project 30x 0.00016; TOPMed 0.00018; 1000 Genomes Project 0.00020; gnomAD 0.00020.
gnomAD v4.1: 97 of 1,613,872 alleles (0.006%); highest among the groups gnomAD compares: African/African-American, 0.063%; no homozygotes.

Submissions (2):

Labcorp Genetics (formerly Invitae), Labcorp
Classification: Uncertain significance. Last evaluated: 2025-04-16. Review status: criteria provided, single submitter. Criteria: Invitae Variant Classification Sherloc (09022015). Collection method: clinical testing. Allele origin: germline.
Comment: This sequence change replaces arginine, which is basic and polar, with tryptophan, which is neutral and slightly polar, at codon 105 of the DNAJC17 protein (p.Arg105Trp). This variant is present in population databases (rs148595451, gnomAD 0.08%), and has an allele count higher than expected for a pathogenic variant. This variant has not been reported in the literature in individuals affected with DNAJC17-related conditions. ClinVar contains an entry for this variant (Variation ID: 2188950). An algorithm developed to predict the effect of missense changes on protein structure and function (PolyPhen-2) suggests that this variant is likely to be tolerated. In summary, the available evidence is currently insufficient to determine the role of this variant in disease. Therefore, it has been classified as a Variant of Uncertain Significance.

Ambry Genetics
Classification: Uncertain significance. Last evaluated: 2024-12-28. Review status: criteria provided, single submitter. Criteria: Ambry Variant Classification Scheme 2023. Collection method: clinical testing. Allele origin: germline.